The following is an entry in ClinVar:

ClinVar aggregate classification (germline): Pathogenic (1 of 4 stars; one submission).

Conditions:
Early-infantile DEE. Also called: Ohtahara syndrome; Early infantile epileptic encephalopathy; Early infantile epileptic encephalopathy with suppression bursts. Identifiers: Orphanet 1934, MedGen C0393706, MONDO:0800491.

Submission:

Labcorp Genetics (formerly Invitae), Labcorp
Classification: Pathogenic for Early-infantile DEE. Last evaluated: 2023-10-28. Review status: criteria provided, single submitter. Criteria: Invitae Variant Classification Sherloc (09022015). Collection method: clinical testing. Allele origin: germline.
Comment: This sequence change creates a premature translational stop signal (p.Ser511Argfs*10) in the KCNQ2 gene. It is expected to result in an absent or disrupted protein product. Loss-of-function variants in KCNQ2 are known to be pathogenic (PMID: 14534157, 23692823, 27779742). This variant is not present in population databases (gnomAD no frequency). This variant has not been reported in the literature in individuals affected with KCNQ2-related conditions. For these reasons, this variant has been classified as Pathogenic.

Literature cited by the submitters: PubMed 14534157; PubMed 23692823; PubMed 27779742.

NM_172107.4(KCNQ2):c.1532dup (p.Ser511fs)

Gene: KCNQ2 (potassium voltage-gated channel subfamily Q member 2; minus strand). Cytogenetic location: 20q13.33.
Variant type: Duplication.
Coding change: c.1532dup on transcript NM_172107.4 (MANE Select); coding-DNA position 1532, one base duplicated (G; older notation c.1532dupG).
Protein change: p.Ser511fs; shifts the reading frame from serine 511.
Molecular consequence: frameshift variant.
Genome position (GRCh38, 1-based): chr20:63,414,187, C duplicated on the plus strand (G on the coding strand, the reverse complement: KCNQ2 is on the minus strand). VCF-style (leftmost placement, unchanged base first): chr20-63414186-G-GC. GRCh37 (hg19) VCF-style: chr20-62045539-G-GC.
Other names: c.1478dup, p.Ser493fs (NM_001382235.1, NM_172106.3); c.1448dup, p.Ser483fs (NM_004518.6); c.1439dup, p.Ser480fs (NM_172108.5); short protein forms S493fs, S511fs, S483fs, S480fs.
Identifiers: ClinVar variation 2772242 (VCV002772242.3), dbSNP rs2516177505, ClinGen allele CA2697547457.